The following is an entry in ClinVar:

ClinVar aggregate classification (germline): Uncertain significance (1 of 4 stars; one submission).

Submission:

Ambry Genetics
Classification: Uncertain significance. Last evaluated: 2026-04-12. Review status: criteria provided, single submitter. Criteria: Ambry Variant Classification Scheme 2023. Collection method: clinical testing. Allele origin: germline.
Comment: The p.Q1075E variant (also known as c.3223C>G), located in coding exon 1 of the MLH3 gene, results from a C to G substitution at nucleotide position 3223. The glutamine at codon 1075 is replaced by glutamic acid, an amino acid with highly similar properties. This amino acid position is conserved. In addition, this alteration is predicted to be tolerated by in silico analysis. Based on the available evidence, the clinical significance of this variant remains unclear.

NM_001040108.2(MLH3):c.3223C>G (p.Gln1075Glu)

Gene: MLH3 (mutL homolog 3; minus strand). Cytogenetic location: 14q24.3.
Variant type: single nucleotide variant.
Coding change: c.3223C>G on transcript NM_001040108.2 (MANE Select); coding-DNA position 3223, C replaced by G.
Protein change: p.Gln1075Glu; replaces glutamine 1075 with glutamic acid.
Molecular consequence: missense variant.
Genome position (GRCh38, 1-based): chr14:75,046,433, G>C on the plus strand (C>G on the coding strand, the complement: MLH3 is on the minus strand). VCF-style: chr14-75046433-G-C. GRCh37 (hg19) VCF-style: chr14-75513136-G-C.
Other names: c.3223C>G, p.Gln1075Glu (NM_014381.3); short protein forms Q1075E.
Identifiers: ClinVar variation 4552140 (VCV004552140.2).